The following is an entry in ClinVar:

ClinVar aggregate classification (germline): Pathogenic/Likely pathogenic. Review status: criteria provided, multiple submitters, no conflicts (2 of 4 stars). 2 submissions from 2 submitters: Pathogenic (1); Likely pathogenic (1). Last evaluated 2022-11-30.

Conditions:
Meckel-Gruber syndrome. Also called: Dysencephalia splachnocystica; DYSENCEPHALIA SPLANCHNOCYSTICA; GRUBER SYNDROME. Identifiers: Orphanet 564, MedGen C0265215, MONDO:0018921.
Nephronophthisis. Also called: Juvenile Nephronophthisis. Identifiers: Orphanet 655, MedGen C0687120, MONDO:0019005, HP:0000090.
Joubert syndrome. Also called: Familial aplasia of the vermis; JOUBERT-BOLTSHAUSER SYNDROME. Identifiers: Orphanet 475, MedGen C5979921, MONDO:0018772.
CEP290-related disorder. Also called: CEP290-related condition; CEP290-related disorders. Identifiers: MedGen CN239314.

Allele frequency attached by ClinVar (database versions not stated): gnomAD exomes below 0.00001.
gnomAD v4.1: 1 of 1,554,990 alleles (0.000064%); highest among the groups gnomAD compares: Admixed American, 0.002%; no homozygotes.

Submissions (2):

Labcorp Genetics (formerly Invitae), Labcorp
Classification: Pathogenic for Joubert syndrome; Meckel-Gruber syndrome; Nephronophthisis. Last evaluated: 2022-11-30. Review status: criteria provided, single submitter. Criteria: Invitae Variant Classification Sherloc (09022015). Collection method: clinical testing. Allele origin: germline.
Comment: ClinVar contains an entry for this variant (Variation ID: 1454724). This sequence change creates a premature translational stop signal (p.Glu2147*) in the CEP290 gene. It is expected to result in an absent or disrupted protein product. Loss-of-function variants in CEP290 are known to be pathogenic (PMID: 16909394, 17345604, 20690115). The frequency data for this variant in the population databases is considered unreliable, as metrics indicate poor data quality at this position in the gnomAD database. This variant has not been reported in the literature in individuals affected with CEP290-related conditions. For these reasons, this variant has been classified as Pathogenic.

Blueprint Genetics
Classification: Likely pathogenic for CEP290-related disorders. Last evaluated: 2022-10-14. Review status: criteria provided, single submitter. Criteria: ACMG Guidelines, 2015. Collection method: clinical testing. Allele origin: germline. Affected: yes. Observed: 1 variant allele.

Literature cited by the submitters: PubMed 16909394 (cited by Labcorp Genetics (formerly Invitae), Labcorp); PubMed 17345604 (cited by Labcorp Genetics (formerly Invitae), Labcorp); PubMed 20690115 (cited by Labcorp Genetics (formerly Invitae), Labcorp).

NM_025114.4(CEP290):c.6439G>T (p.Glu2147Ter)

Gene: CEP290 (centrosomal protein 290; minus strand). Cytogenetic location: 12q21.32.
Variant type: single nucleotide variant.
Coding change: c.6439G>T on transcript NM_025114.4 (MANE Select); coding-DNA position 6439, G replaced by T.
Protein change: p.Glu2147Ter; replaces glutamic acid 2147 with a stop codon.
Molecular consequence: nonsense.
Genome position (GRCh38, 1-based): chr12:88,060,913, C>A on the plus strand (G>T on the coding strand, the complement: CEP290 is on the minus strand). VCF-style: chr12-88060913-C-A. GRCh37 (hg19) VCF-style: chr12-88454690-C-A.
Other names: short protein forms E2147*.
Identifiers: ClinVar variation 1454724 (VCV001454724.7), dbSNP rs1234975160, ClinGen allele CA385978669.